The following is an entry in ClinVar:

ClinVar aggregate classification (germline): Pathogenic (1 of 4 stars; one submission).

Conditions:
Fabry disease. Also called: ALPHA-GALACTOSIDASE A DEFICIENCY; ANDERSON-FABRY DISEASE; CERAMIDE TRIHEXOSIDASE DEFICIENCY; GLA DEFICIENCY; HEREDITARY DYSTOPIC LIPIDOSIS; Angiokeratoma corporis diffusum. Identifiers: Orphanet 324, MedGen C0002986, MONDO:0010526, OMIM 301500, HP:0001071. Disease mechanism: Fabry disease is due to inactivating mutations in the X-linked GLA gene resulting in deficiency of the enzyme Alpha Galactosidase-A., loss of function.

Submission:

Genomenon, Inc
Classification: Pathogenic for Fabry disease. Last evaluated: 2026-09-08. Review status: criteria provided, single submitter. Criteria: Genomenon Sequence Variant Interpretation Standards - Updated. Collection method: curation. Allele origin: germline. Affected: yes.
Comment: GLA c.548-3_553del is a deletion that affects the acceptor splice site of intron 3. It is predicted to affect mRNA splicing, leading to a deleterious effect on the GLA protein. This variant has been observed in at least one proband with clinical features consistent with Fabry disease (PMID:33915609;28672034;26298600). At least one splicing study has demonstrated that this variant results in aberrant splicing (PMID:26298600). It is absent or not present at a significant frequency in gnomAD. In conclusion, we classify GLA c.548-3_553del as a pathogenic variant.

Literature cited by the submitters: PubMed 33915609; PubMed 28672034; PubMed 26298600.

NM_000169.3(GLA):c.548-3_553del

Genes: GLA (galactosidase alpha; minus strand), RPL36A-HNRNPH2 (RPL36A-HNRNPH2 readthrough; plus strand). Cytogenetic location: Xq22.1.
Variant type: Deletion.
Coding change: c.548-3_553del on transcript NM_000169.3 (MANE Select); 3 bases into the intron before coding-DNA position 548 through coding-DNA position 553, 9 bases deleted (CAGGTTATA; older notation c.548-3_553delCAGGTTATA).
Molecular consequence: splice acceptor variant. On other transcripts: intron variant (2).
Genome position (GRCh38, 1-based): chrX:101,400,752-101,400,760, TATAACCTG deleted on the plus strand (CAGGTTATA on the coding strand, the reverse complement: GLA is on the minus strand); deleting any 9 consecutive bases within chrX:101,400,752-101,400,763 gives the same sequence; the c. name uses the placement nearest the transcript's 3' end. VCF-style (leftmost placement, unchanged base first): chrX-101400751-TTATAACCTG-T. GRCh37 (hg19) VCF-style: chrX-100655739-TTATAACCTG-T.
Other names: c.300+5298_300+5306del (NM_001199973.2); c.177+8933_177+8941del (NM_001199974.2); c.671-3_676del (NM_001406747.1); c.548-3_553del (NM_001406748.1).
Identifiers: ClinVar variation 4087212 (VCV004087212.2).